The following is an entry in ClinVar:

NC_000002.11:g.(?_32368385)_(32370096_?)del

Gene: SPAST (spastin; plus strand). Cytogenetic location: 2p22.3.
Variant type: Deletion.
Identifiers: ClinVar variation 1373545 (VCV001373545.6).

ClinVar aggregate classification (germline): Pathogenic (1 of 4 stars; one submission).

Conditions:
Hereditary spastic paraplegia 4. Also called: Spastic paraplegia 4, autosomal dominant; Familial spastic paraplegia autosomal dominant 2; Spastic Paraplegia 4. Identifiers: Orphanet 100985, MedGen C1866855, MONDO:0008438, OMIM 182601.

Submission:

Labcorp Genetics (formerly Invitae), Labcorp
Classification: Pathogenic for Hereditary spastic paraplegia 4. Last evaluated: 2021-04-08. Review status: criteria provided, single submitter. Criteria: Invitae Variant Classification Sherloc (09022015). Collection method: clinical testing. Allele origin: germline.
Comment: This variant is a gross deletion of the genomic region encompassing exon(s) 14-15 of the SPAST gene. While this deletion is not anticipated to lead to nonsense mediated decay, it is expected to disrupt the C-terminus of the protein. This variant has not been reported in the literature in individuals with SPAST-related conditions. This variant disrupts the C-terminus of the SPAST protein. Other variant(s) that disrupt this region (p.Trp607*) have been determined to be pathogenic (PMID: 15841487, Invitae). This suggests that variants that disrupt this region of the protein are likely to be causative of disease. For these reasons, this variant has been classified as Pathogenic.

Literature cited by the submitters: PubMed 15841487.